The following is an entry in ClinVar:

ClinVar aggregate classification (germline): Uncertain significance (1 of 4 stars; one submission).

Conditions:
Cardiovascular phenotype. Identifiers: MedGen CN230736.

Submission:

Ambry Genetics
Classification: Uncertain significance for Cardiovascular phenotype. Last evaluated: 2025-11-04. Review status: criteria provided, single submitter. Criteria: Ambry Variant Classification Scheme 2023. Collection method: clinical testing. Allele origin: germline.
Comment: The p.I221V variant (also known as c.661A>G), located in coding exon 2 of the KCNJ8 gene, results from an A to G substitution at nucleotide position 661. The isoleucine at codon 221 is replaced by valine, an amino acid with highly similar properties. This amino acid position is conserved. In addition, the in silico prediction for this alteration is inconclusive. Based on the available evidence, the clinical significance of this variant remains unclear.

NM_004982.4(KCNJ8):c.661A>G (p.Ile221Val)

Genes: KCNJ8 (potassium inwardly rectifying channel subfamily J member 8; minus strand), KCNJ8-AS1 (KCNJ8 antisense RNA 1; plus strand). Cytogenetic location: 12p12.1.
Variant type: single nucleotide variant.
Coding change: c.661A>G on transcript NM_004982.4 (MANE Select); coding-DNA position 661, A replaced by G.
Protein change: p.Ile221Val; replaces isoleucine 221 with valine.
Molecular consequence: missense variant.
Genome position (GRCh38, 1-based): chr12:21,766,337, T>C on the plus strand (A>G on the coding strand, the complement: KCNJ8 is on the minus strand). VCF-style: chr12-21766337-T-C. GRCh37 (hg19) VCF-style: chr12-21919271-T-C.
Other names: short protein forms I221V.
Identifiers: ClinVar variation 4614399 (VCV004614399.1).
Genomic context (GRCh38, chr12:21,766,337, plus strand): 5'-CCACCTCCCCTTCAGGTGTAGTTGTTTTCTTGACCACCTGGATGCGCACAGAGGCACTAA[T>C]GATCATGCTTTTCCTCAGGTCACCCACTCGGAACATGAAGCACAGCTTGCCATTTCGGAC-3'
Protein context (NP_004973.1, residues 211-231): RVGDLRKSMI[Ile221Val]SASVRIQVVK